The following is an entry in ClinVar:

NM_002691.4(POLD1):c.1495-5C>T

Gene: POLD1 (DNA polymerase delta 1, catalytic subunit; plus strand). Cytogenetic location: 19q13.33.
Variant type: single nucleotide variant.
Coding change: c.1495-5C>T on transcript NM_002691.4 (MANE Select); 5 bases into the intron before coding-DNA position 1495, C replaced by T.
Molecular consequence: intron variant.
Genome position (GRCh38, 1-based): chr19:50,406,978, C>T. VCF-style: chr19-50406978-C-T. GRCh37 (hg19) VCF-style: chr19-50910235-C-T.
Other names: c.1495-5C>T (NM_001256849.1, NM_001308632.1).
Identifiers: ClinVar variation 1546590 (VCV001546590.9), dbSNP rs2122335450, ClinGen allele CA2573156689.
Genomic context (GRCh38, chr19:50,406,978, plus strand): 5'-CCTTCTCCTGCTCCACCTCCCACCCCCAACCCCTGGTCCCTGACCCCATCCGTGCCCATC[C>T]CCAGAATGGGAACGACCAGACCCGCCGCCGCCTGGCTGTGTACTGCCTGAAGGATGCCTA-3'

ClinVar aggregate classification (germline): Likely benign. Review status: criteria provided, multiple submitters, no conflicts (2 of 4 stars). 2 submissions from 2 submitters: Likely benign (2). Last evaluated 2025-02-06.

Conditions:
POLD1-related polyposis and colorectal cancer syndrome (CRCS10). Also called: Colorectal cancer 10; COLORECTAL CANCER, SUSCEPTIBILITY TO, ON CHROMOSOME 19q; Colorectal cancer, susceptibility to, 10. Identifiers: Orphanet 220460, MedGen C2675481, MONDO:0012953, OMIM 612591.

Submissions (2):

Myriad Genetics, Inc.
Classification: Likely benign for POLD1-related polyposis and colorectal cancer syndrome. Last evaluated: 2025-02-06. Review status: criteria provided, single submitter. Criteria: Myriad Autosomal Dominant, Autosomal Recessive and X-Linked Classification Criteria (2023). Collection method: clinical testing. Allele origin: unknown.
Comment: This variant is considered likely benign. This variant is intronic and is not expected to impact mRNA splicing.

Labcorp Genetics (formerly Invitae), Labcorp
Classification: Likely benign for POLD1-related polyposis and colorectal cancer syndrome. Last evaluated: 2025-01-27. Review status: criteria provided, single submitter. Criteria: Invitae Variant Classification Sherloc (09022015). Collection method: clinical testing. Allele origin: germline.